The following is an entry in ClinVar:

ClinVar aggregate classification (germline): Uncertain significance (1 of 4 stars; one submission).

Submission:

Geisinger Autism and Developmental Medicine Institute, Geisinger Health System
Classification: Uncertain significance. Last evaluated: 2018-04-03. Review status: criteria provided, single submitter. Criteria: ACMG CNV Guidelines, 2011. Collection method: provider interpretation. Allele origin: unknown.
Comment: Parental testing was not available.

Single allele

Genes: CT45A1 (cancer/testis antigen family 45 member A1; plus strand), CT45A2 (cancer/testis antigen family 45 member A2; minus strand), CT45A3 (cancer/testis antigen family 45 member A3; minus strand), CT45A5 (cancer/testis antigen family 45 member A5; minus strand), CT45A6 (cancer/testis antigen family 45 member A6; minus strand) and 5 more. Cytogenetic location: Xq26.3.
Variant type: Duplication.
Identifiers: ClinVar variation 560035 (VCV000560035.3).